The following is an entry in ClinVar:

ClinVar aggregate classification (germline): Pathogenic. Review status: criteria provided, multiple submitters, no conflicts (2 of 4 stars). 4 submissions from 4 submitters: Pathogenic (3). 1 of the submissions does not count toward it. Last evaluated 2024-04-17.

Conditions:
Choroideremia. Also called: Chorioretinal scalloped atrophy. Identifiers: Orphanet 180, MedGen C0008525, MONDO:0010557, OMIM 303100, HP:0001139.
CHM-related disorders.

Submissions (4):

Labcorp Genetics (formerly Invitae), Labcorp
Classification: Pathogenic. Last evaluated: 2024-04-17. Review status: criteria provided, single submitter. Criteria: Invitae Variant Classification Sherloc (09022015). Collection method: clinical testing. Allele origin: germline.
Comment: This sequence change creates a premature translational stop signal (p.Pro189Ilefs*9) in the CHM gene. It is expected to result in an absent or disrupted protein product. Loss-of-function variants in CHM are known to be pathogenic (PMID: 9067750, 23811034). This variant is not present in population databases (gnomAD no frequency). This premature translational stop signal has been observed in individual(s) with choroideremia (PMID: 10447648). This variant is also known as c.594_595del. ClinVar contains an entry for this variant (Variation ID: 812269). For these reasons, this variant has been classified as Pathogenic.

GeneDx
Classification: Pathogenic. Last evaluated: 2024-01-07. Review status: criteria provided, single submitter. Criteria: GeneDx Variant Classification Process June 2021. Collection method: clinical testing. Allele origin: germline. Affected: yes.
Comment: Frameshift variant predicted to result in protein truncation or nonsense mediated decay in a gene for which loss of function is a known mechanism of disease; Not observed at significant frequency in large population cohorts (gnomAD); Also known as c.594_595del; This variant is associated with the following publications: (PMID: 10447648)

Blueprint Genetics
Classification: Pathogenic for CHM-related disorders. Last evaluated: 2021-03-22. Review status: criteria provided, single submitter. Criteria: ACMG Guidelines, 2015. Collection method: clinical testing. Allele origin: germline. Affected: yes. Observed: 1 variant allele.

Sharon lab, Hadassah-Hebrew University Medical Center
Classification: Pathogenic for Choroideremia. Last evaluated: 2019-06-23. Review status: no assertion criteria provided. Collection method: research. Allele origin: inherited. Affected: yes. Not counted in ClinVar's aggregate classification.

Literature cited by the submitters: PubMed 9067750 (cited by Labcorp Genetics (formerly Invitae), Labcorp); PubMed 23811034 (cited by Labcorp Genetics (formerly Invitae), Labcorp); PubMed 10447648 (cited by Labcorp Genetics (formerly Invitae), Labcorp).

NM_000390.4(CHM):c.564_565del (p.Pro189fs)

Gene: CHM (CHM Rab escort protein; minus strand). Cytogenetic location: Xq21.2.
Variant type: Deletion.
Coding change: c.564_565del on transcript NM_000390.4 (MANE Select); coding-DNA positions 564 to 565, 2 bases deleted (GC; older notation c.564_565delGC).
Protein change: p.Pro189fs; shifts the reading frame from proline 189.
Molecular consequence: frameshift variant.
Genome position (GRCh38, 1-based): chrX:85,963,802-85,963,803, GC deleted on the plus strand (GC on the coding strand, the reverse complement: CHM is on the minus strand). VCF-style (leftmost placement, unchanged base first): chrX-85963801-GGC-G. GRCh37 (hg19) VCF-style: chrX-85218806-GGC-G.
Other names: c.120_121del, p.Pro41fs (NM_001320959.1, NM_001362517.1, NM_001362518.2 and 1 more transcripts); short protein forms P41fs, P189fs.
Identifiers: ClinVar variation 812269 (VCV000812269.11), dbSNP rs1603264449, ClinGen allele CA915951306.